The following is an entry in ClinVar:

NM_002959.7(SORT1):c.1340A>G (p.Glu447Gly)

Gene: SORT1 (sortilin 1; minus strand). Cytogenetic location: 1p13.3.
Variant type: single nucleotide variant.
Coding change: c.1340A>G on transcript NM_002959.7 (MANE Select); coding-DNA position 1340, A replaced by G.
Protein change: p.Glu447Gly; replaces glutamic acid 447 with glycine.
Molecular consequence: missense variant.
Genome position (GRCh38, 1-based): chr1:109,336,271, T>C on the plus strand (A>G on the coding strand, the complement: SORT1 is on the minus strand). VCF-style: chr1-109336271-T-C. GRCh37 (hg19) VCF-style: chr1-109878893-T-C.
Other names: c.929A>G, p.Glu310Gly (NM_001205228.2); short protein forms E310G, E447G.
Identifiers: ClinVar variation 2638979 (VCV002638979.24), dbSNP rs144141753, ClinGen allele CA989895.
Genomic context (GRCh38, chr1:109,336,271, plus strand): 5'-GTGCTCTGCACACATTAGAGTAAACAAACCTCATTCTTGTTTTTTGCTGTAGCATCACAT[T>C]CACTGTTTTCAGGCTTCCTCAGGTGCGTCCACCTTCCTCCTTGGTCAAAAGTGATCATGG-3'
Protein context (NP_002950.3, residues 437-457): WTHLRKPENS[Glu447Gly]CDATAKNKNE

ClinVar aggregate classification (germline): Likely benign (1 of 4 stars; one submission).

Allele frequency attached by ClinVar (database versions not stated): 1000 Genomes Project 30x 0.00078; 1000 Genomes Project 0.00080; TOPMed 0.00094; ESP Exome Variant Server 0.00100; gnomAD 0.00100; ExAC 0.00108; gnomAD exomes 0.00125.
gnomAD v4.1: 1,980 of 1,613,092 alleles (0.12%); highest among the groups gnomAD compares: Middle Eastern, 0.23%; 3 homozygotes.

Submission:

CeGaT Center for Human Genetics Tuebingen
Classification: Likely benign. Last evaluated: 2022-10-01. Review status: criteria provided, single submitter. Criteria: CeGaT Center For Human Genetics Tuebingen Variant Classification Criteria Version 2. Collection method: clinical testing. Allele origin: germline. Affected: yes. Observed: 1 variant allele.
Comment: SORT1: BP4